The following is an entry in ClinVar:

NM_015631.6(TCTN3):c.427_430dup (p.Ser144Ter)

Gene: TCTN3 (tectonic family member 3; minus strand). Cytogenetic location: 10q24.1.
Variant type: Duplication.
Coding change: c.427_430dup on transcript NM_015631.6 (MANE Select); coding-DNA positions 427 to 430, 4 bases duplicated (AATT; older notation c.427_430dupAATT).
Protein change: p.Ser144Ter; replaces serine 144 with a stop codon.
Molecular consequence: nonsense.
Genome position (GRCh38, 1-based): chr10:95,692,989-95,692,992, AATT duplicated on the plus strand (AATT on the coding strand, the reverse complement: TCTN3 is on the minus strand); duplicating any 4 consecutive bases within chr10:95,692,989-95,692,993 gives the same sequence; the c. name uses the placement nearest the transcript's 3' end. VCF-style (leftmost placement, unchanged base first): chr10-95692988-G-GAATT. GRCh37 (hg19) VCF-style: chr10-97452745-G-GAATT.
Other names: c.427_430dup, p.Ser144Ter (NM_001143973.2, NM_001410982.1); short protein forms S144*.
Identifiers: ClinVar variation 4850211 (VCV004850211.1).

ClinVar aggregate classification (germline): Likely pathogenic (1 of 4 stars; one submission).

Conditions:
Autosomal recessive TCTN3-related disorders.

Submission:

Variantyx, Inc.
Classification: Likely pathogenic for Autosomal recessive TCTN3-related disorders. Last evaluated: 2025-08-28. Review status: criteria provided, single submitter. Criteria: Variantyx Assertion Criteria 2022. Collection method: clinical testing. Allele origin: germline. Inheritance: Autosomal recessive inheritance. Affected: no.
Comment: This is a nonsense variant in the TCTN3 gene (OMIM: 613847). Pathogenic variants in this gene have been associated with autosomal recessive TCTN3-related disorders. This variant introduces a premature termination codon in exon 3 out of 14 and is expected to result in loss of function, which is a known disease mechanism for TCTN3 in these disorders (PMID: 35170189, 28800946, 29725084, 22883145, 26092869) (PVS1). This variant is absent from control populations (PM2) ad it has not been reported in individuals with TCTN3-related disorders in the databases available for review. Based on the current evidence, this variant is classified as likely pathogenic for autosomal recessive TCTN3-related disorders.

Literature cited by the submitters: PubMed 21565611.